The following is an entry in ClinVar:

NM_002485.5(NBN):c.1398-10dup

Gene: NBN (nibrin; minus strand). Cytogenetic location: 8q21.3.
Variant type: Duplication.
Coding change: c.1398-10dup on transcript NM_002485.5 (MANE Select); 10 bases into the intron before coding-DNA position 1398, one base duplicated (T; older notation c.1398-10dupT).
Molecular consequence: intron variant.
Genome position (GRCh38, 1-based): chr8:89,953,701, A duplicated on the plus strand (T on the coding strand, the reverse complement: NBN is on the minus strand); the first of 9 consecutive A bases (chr8:89,953,701-89,953,709); duplicating any one gives the same sequence. VCF-style (leftmost placement, unchanged base first): chr8-89953700-T-TA. GRCh37 (hg19) VCF-style: chr8-90965928-T-TA.
Other names: p.?; c.1152-10dup (NM_001024688.3); c.1398-10dupT (NM_002485.4, NM_002485.5).
Identifiers: ClinVar variation 132766 (VCV000132766.34), dbSNP rs587780555, ClinGen allele CA332111.

ClinVar aggregate classification (germline): Benign/Likely benign. Review status: criteria provided, multiple submitters, no conflicts (2 of 4 stars). 11 submissions from 11 submitters: Benign (4); Likely benign (7). Last evaluated 2026-02-04.

Conditions:
Hereditary cancer-predisposing syndrome. Also called: Neoplastic Syndromes, Hereditary; Hereditary Cancer Syndrome; Tumor predisposition; Hereditary neoplastic syndrome. Identifiers: Orphanet 140162, MedGen C0027672, MeSH D009386, MONDO:0015356.
Hereditary breast ovarian cancer syndrome. Also called: BRCA1- and BRCA2-Associated Hereditary Breast and Ovarian Cancer; Hereditary breast and ovarian cancer syndrome; Hereditary breast and ovarian cancer syndrome (HBOC); Hereditary breast and/or ovarian cancer syndrome; Hereditary breast and ovarian cancer; Breast and ovarian cancer. Identifiers: Orphanet 145, MedGen C0677776, MeSH D061325, MONDO:0003582. Disease mechanism: loss of function.
Microcephaly, normal intelligence and immunodeficiency (NBS). Also called: SEEMANOVA SYNDROME II; Nijmegen breakage syndrome; Microcephaly with normal intelligence immunodeficiency and lymphoreticular malignancies; Nonsyndromal microcephaly autosomal recessive with normal intelligence; Seemanova syndrome 2; BERLIN BREAKAGE SYNDROME. Identifiers: Orphanet 647, MedGen C0398791, MONDO:0009623, OMIM 251260.

Submissions (11):

Labcorp Genetics (formerly Invitae), Labcorp
Classification: Benign for Microcephaly, normal intelligence and immunodeficiency. Last evaluated: 2026-02-04. Review status: criteria provided, single submitter. Criteria: Invitae Variant Classification Sherloc (09022015). Collection method: clinical testing. Allele origin: germline.

Women's Health and Genetics/Laboratory Corporation of America, LabCorp
Classification: Likely benign. Last evaluated: 2025-11-06. Review status: criteria provided, single submitter. Criteria: LabCorp Variant Classification Summary - May 2015. Collection method: clinical testing. Allele origin: germline.
Comment: Variant summary: NBN c.1398-10dupT alters a non-conserved nucleotide located at a position not widely known to affect splicing. Consensus agreement among computation tools predict no significant impact on normal splicing. However, these predictions have yet to be confirmed by functional studies. The frequency data for this variant in gnomAD is considered unreliable, as metrics indicate poor data quality at this position. To our knowledge, no occurrence of c.1398-10dupT in individuals affected with NBN-related conditions and no experimental evidence demonstrating its impact on protein function have been reported. ClinVar contains an entry for this variant (Variation ID: 132766). Based on the evidence outlined above, the variant was classified as likely benign.

Quest Diagnostics Nichols Institute San Juan Capistrano
Classification: Benign. Last evaluated: 2025-09-19. Review status: criteria provided, single submitter. Criteria: Quest Diagnostics criteria. Collection method: clinical testing. Allele origin: unknown.

Mayo Clinic Laboratories, Mayo Clinic
Classification: Benign. Last evaluated: 2025-02-11. Review status: criteria provided, single submitter. Criteria: ACMG Guidelines, 2015. Collection method: clinical testing. Allele origin: germline. Observed: 3 variant alleles.
Comment: BS1, BS2, BP4, BP7

Blueprint Genetics
Classification: Likely benign. Last evaluated: 2024-11-12. Review status: criteria provided, single submitter. Criteria: ACMG Guidelines, 2015. Collection method: clinical testing. Allele origin: germline.

Institute for Biomarker Research, Medical Diagnostic Laboratories, L.L.C.
Classification: Likely benign for Hereditary cancer-predisposing syndrome. Last evaluated: 2024-03-14. Review status: criteria provided, single submitter. Criteria: ACMG Guidelines, 2015. Collection method: clinical testing. Allele origin: germline.

Sema4
Classification: Likely benign for Hereditary cancer-predisposing syndrome. Last evaluated: 2021-07-09. Review status: criteria provided, single submitter. Criteria: Sema4 Curation Guidelines. Collection method: curation. Allele origin: germline.

ARUP Laboratories, Molecular Genetics and Genomics, ARUP Laboratories
Classification: Likely benign. Last evaluated: 2021-04-15. Review status: criteria provided, single submitter. Criteria: ARUP Molecular Germline Variant Investigation Process 2021. Collection method: clinical testing. Allele origin: germline.

Department of Pathology and Laboratory Medicine, Sinai Health System
Classification: Likely benign for Hereditary breast ovarian cancer syndrome. Last evaluated: 2019-01-15. Review status: criteria provided, single submitter. Criteria: ACMG Guidelines, 2015. Collection method: clinical testing. Allele origin: germline. Affected: yes.

Genetic Services Laboratory, University of Chicago
Classification: Likely benign. Last evaluated: 2016-06-07. Review status: criteria provided, single submitter. Criteria: ACMG Guidelines, 2015. Collection method: clinical testing. Allele origin: germline. Affected: no.

GeneDx
Classification: Benign. Last evaluated: 2015-03-03. Review status: criteria provided, single submitter. Criteria: GeneDx Variant Classification Process June 2021. Collection method: clinical testing. Allele origin: germline. Affected: yes.